The following is an entry in ClinVar:

NM_000322.5(PRPH2):c.374C>T (p.Ser125Leu)

Gene: PRPH2 (peripherin 2; minus strand). Cytogenetic location: 6p21.1.
Variant type: single nucleotide variant.
Coding change: c.374C>T on transcript NM_000322.5 (MANE Select); coding-DNA position 374, C replaced by T.
Protein change: p.Ser125Leu; replaces serine 125 with leucine.
Molecular consequence: missense variant.
Genome position (GRCh38, 1-based): chr6:42,721,961, G>A on the plus strand (C>T on the coding strand, the complement: PRPH2 is on the minus strand). VCF-style: chr6-42721961-G-A. GRCh37 (hg19) VCF-style: chr6-42689699-G-A.
Other names: short protein forms S125L.
Identifiers: ClinVar variation 910832 (VCV000910832.15), dbSNP rs772861671, ClinGen allele CA3808627.

ClinVar aggregate classification (germline): Conflicting classifications of pathogenicity. Review status: criteria provided, conflicting classifications (1 of 4 stars). 9 submissions from 4 submitters: Likely pathogenic (1); Uncertain significance (7). 1 of the submissions does not count toward it. Last evaluated 2024-10-30.

Conditions:
Patterned macular dystrophy 1. Also called: MACULAR DYSTROPHY, BUTTERFLY-SHAPED PIGMENTARY; BUTTERFLY DYSTROPHY OF RETINAL PIGMENT EPITHELIUM. Identifiers: Orphanet 99001, MedGen C4551999, MONDO:0008210, OMIM 169150.
Choroidal dystrophy, central areolar 2 (CACD2). Also called: Choriodal Dystrophy, Central Areolar 2; MACULAR DYSTROPHY, PROGRESSIVE. Identifiers: Orphanet 75377, MedGen C2751290, MONDO:0013137, OMIM 613105.
Pigmentary retinal dystrophy. Also called: Fundus albipunctatus. Identifiers: Orphanet 227796, Orphanet 52427, MedGen C0311338, MONDO:0007639, OMIM 136880, HP:0030642.
Retinitis pigmentosa (RP). Identifiers: Orphanet 791, MedGen C0035334, MeSH D012174, MONDO:0019200, OMIM 268000. Inheritance: Autosomal dominant, autosomal recessive and X linked inheritance.
PRPH2-related disorder. Also called: PRPH2-related condition; PRPH2-related disorders. Identifiers: MedGen CN239395.
Adult-onset foveomacular vitelliform dystrophy. Also called: FOVEOMACULAR DYSTROPHY, ADULT-ONSET, WITH OR WITHOUT CHOROIDAL NEOVASCULARIZATION; FOVEOMACULAR DYSTROPHY, ADULT-ONSET; Adult onset vitelliform dystrophy. Identifiers: Orphanet 99000, MedGen C1842914, MONDO:0011979.
Cone-rod dystrophy. Also called: Cone/cone-rod dystrophy; Cone-rod degeneration. Identifiers: Orphanet 1872, MedGen C4085590, MONDO:0015993, HP:0000548.

Allele frequency attached by ClinVar (database versions not stated): gnomAD 0.00001; gnomAD exomes 0.00001; TOPMed 0.00001; ExAC 0.00002.
gnomAD v4.1: 17 of 1,613,876 alleles (0.0011%); highest among the groups gnomAD compares: Admixed American, 0.0067%; no homozygotes.

Submissions (9):

Labcorp Genetics (formerly Invitae), Labcorp
Classification: Uncertain significance for PRPH2-related disorder. Last evaluated: 2024-10-30. Review status: criteria provided, single submitter. Criteria: Invitae Variant Classification Sherloc (09022015). Collection method: clinical testing. Allele origin: germline.
Comment: This sequence change replaces serine, which is neutral and polar, with leucine, which is neutral and non-polar, at codon 125 of the PRPH2 protein (p.Ser125Leu). This variant is present in population databases (rs772861671, gnomAD 0.0009%). This missense change has been observed in individuals with autosomal dominant PRPH2-related conditions (PMID: 14510799, 34240658; internal data). ClinVar contains an entry for this variant (Variation ID: 910832). Invitae Evidence Modeling of protein sequence and biophysical properties (such as structural, functional, and spatial information, amino acid conservation, physicochemical variation, residue mobility, and thermodynamic stability) has been performed for this missense variant. However, the output from this modeling did not meet the statistical confidence thresholds required to predict the impact of this variant on PRPH2 protein function. In summary, the available evidence is currently insufficient to determine the role of this variant in disease. Therefore, it has been classified as a Variant of Uncertain Significance.

Blueprint Genetics
Classification: Likely pathogenic for PRPH2-related disorders. Last evaluated: 2018-02-06. Review status: criteria provided, single submitter. Criteria: ACMG Guidelines, 2015. Collection method: clinical testing. Allele origin: germline. Affected: yes. Observed: 4 variant alleles.

Illumina Laboratory Services, Illumina
Classification: Uncertain significance for Cone-rod dystrophy. Last evaluated: 2017-04-28. Review status: criteria provided, single submitter. Criteria: ICSL Variant Classification Criteria 13 December 2019. Collection method: clinical testing. Allele origin: germline.

Illumina Laboratory Services, Illumina
Classification: Uncertain significance for Patterned macular dystrophy 1. Last evaluated: 2017-04-28. Review status: criteria provided, single submitter. Criteria: ICSL Variant Classification Criteria 13 December 2019. Collection method: clinical testing. Allele origin: germline.

Illumina Laboratory Services, Illumina
Classification: Uncertain significance for Choroidal dystrophy, central areolar 2. Last evaluated: 2017-04-28. Review status: criteria provided, single submitter. Criteria: ICSL Variant Classification Criteria 13 December 2019. Collection method: clinical testing. Allele origin: germline.
Comment: This variant was observed as part of a predisposition screen in an ostensibly healthy population. A literature search was performed for the gene, cDNA change, and amino acid change (where applicable). Publications were found based on this search. However, the evidence from the literature, in combination with allele frequency data from public databases where available, was not sufficient to rule this variant in or out of causing disease. Therefore, this variant is classified as a variant of unknown significance.

Illumina Laboratory Services, Illumina
Classification: Uncertain significance for Pigmentary retinal dystrophy. Last evaluated: 2017-04-28. Review status: criteria provided, single submitter. Criteria: ICSL Variant Classification Criteria 13 December 2019. Collection method: clinical testing. Allele origin: germline.

Illumina Laboratory Services, Illumina
Classification: Uncertain significance for Retinitis pigmentosa. Last evaluated: 2017-04-28. Review status: criteria provided, single submitter. Criteria: ICSL Variant Classification Criteria 13 December 2019. Collection method: clinical testing. Allele origin: germline.

Illumina Laboratory Services, Illumina
Classification: Uncertain significance for Vitelliform macular dystrophy 3. Last evaluated: 2017-04-28. Review status: criteria provided, single submitter. Criteria: ICSL Variant Classification Criteria 13 December 2019. Collection method: clinical testing. Allele origin: germline.

Leiden Open Variation Database
Classification: Likely pathogenic. Last evaluated: 2021-04-06. Review status: no assertion criteria provided. Collection method: curation. Allele origin: germline. Affected: yes. Not counted in ClinVar's aggregate classification.
Comment: Curator: Global Variome, with Curator vacancy. Submitters to LOVD: Global Variome, with Curator vacancy, Manon Peeters.

Literature cited by the submitters: PubMed 14510799 (cited by 3 submitters); PubMed 34240658 (cited by Labcorp Genetics (formerly Invitae), Labcorp); PubMed 24629188 (cited by Illumina Laboratory Services, Illumina); PubMed 31429209 (cited by Leiden Open Variation Database).